The following is an entry in ClinVar:

ClinVar aggregate classification (germline): Conflicting classifications of pathogenicity. Review status: criteria provided, conflicting classifications (1 of 4 stars). 9 submissions from 9 submitters: Likely pathogenic (2); Uncertain significance (7). Last evaluated 2026-01-21.

Conditions:
Cardiovascular phenotype. Identifiers: MedGen CN230736.
Primary dilated cardiomyopathy (DCM). Also called: Dilated Cardiomyopathy. Identifiers: Orphanet 217604, MedGen C0007193, MeSH D002311, MONDO:0005021, HP:0001644. Inheritance: Various modes of inheritance.
Myopathy, centronuclear, 2 (CNM2). Also called: MYOTUBULAR MYOPATHY, AUTOSOMAL RECESSIVE. Identifiers: Orphanet 169186, MedGen CN031787, MONDO:0009709, OMIM 255200.
Myopathy, myofibrillar, 9, with early respiratory failure (MFM9). Also called: Myopathy, distal, with early respiratory failure, autosomal dominant; Hereditary myopathy with early respiratory failure; MYOPATHY, PROXIMAL, WITH EARLY RESPIRATORY MUSCLE INVOLVEMENT; EDSTROM MYOPATHY. Identifiers: Orphanet 178464, Orphanet 34521, MedGen C1863599, MONDO:0011362, OMIM 603689.
Autosomal recessive limb-girdle muscular dystrophy type 2J (LGMDR10). Also called: Limb-girdle muscular dystrophy, type 2J; MUSCULAR DYSTROPHY, LIMB-GIRDLE, AUTOSOMAL RECESSIVE 10. Identifiers: Orphanet 140922, MedGen C1837342, MONDO:0012127, OMIM 608807.
Tibial muscular dystrophy (TMD). Also called: Udd Distal Myopathy – Tibial Muscular Dystrophy; Tibial muscular dystrophy, tardive; UDD MYOPATHY. Identifiers: Orphanet 609, MedGen C1838244, MONDO:0010870, OMIM 600334.
TTN-related disorder. Also called: TTN-related condition; TTN-related disease; TTN-related disorders.
Dilated cardiomyopathy 1G (CMD1G). Identifiers: Orphanet 154, MedGen C1858763, MONDO:0011400, OMIM 604145.

Allele frequency attached by ClinVar (database versions not stated): ExAC 0.00001; gnomAD exomes 0.00002; TOPMed 0.00002; gnomAD 0.00004.

Submissions (9):

Labcorp Genetics (formerly Invitae), Labcorp
Classification: Likely pathogenic for Dilated cardiomyopathy 1G; Autosomal recessive limb-girdle muscular dystrophy type 2J. Last evaluated: 2026-01-21. Review status: criteria provided, single submitter. Criteria: Invitae Variant Classification Sherloc (09022015). Collection method: clinical testing. Allele origin: germline.
Comment: This sequence change affects a donor splice site in intron 154 of the TTN gene. It is expected to disrupt RNA splicing and likely results in a truncated or disrupted TTN protein. This variant is present in population databases (rs749252830, gnomAD 0.004%). This variant has not been observed in the literature in individuals with autosomal recessive TTN-related conditions. This variant has been reported in individual(s) with autosomal dominant dilated cardiomyopathy and atrial fibrillation (PMID: 30535219, 35177841; internal data); however, the role of the variant in this condition is currently unclear. ClinVar contains an entry for this variant (Variation ID: 502085). Algorithms developed to predict the effect of sequence changes on RNA splicing suggest that this variant may disrupt the consensus splice site. This variant is located in the I band of TTN (PMID: 25589632). Truncating variants in this region have been reported in individuals affected with autosomal recessive centronuclear myopathy (PMID: 23975875, internal data). Truncating variants in this region have also been identified in individuals affected with autosomal dominant dilated cardiomyopathy and/or cardio-related conditions (PMID: 27869827, 32964742, internal data). In summary, the currently available evidence indicates that the variant is pathogenic, but additional data are needed to prove that conclusively. Therefore, this variant has been classified as Likely Pathogenic.

PreventionGenetics, part of Exact Sciences
Classification: Likely pathogenic for TTN-related condition. Last evaluated: 2025-06-20. Review status: criteria provided, single submitter. Criteria: ACMG Guidelines, 2015. Collection method: clinical testing. Allele origin: germline.
Comment: The TTN c.34930+2T>C variant is predicted to disrupt the GT donor site and interfere with normal splicing. This variant has been reported in an individual with left ventricular noncompaction (Table S3, Miszalski-Jamka et al. 2017. PubMed ID: 28798025) and in individuals with atrial fibrillation (eTable 5, Choi et al. 2018. PubMed ID: 30535219; Supplementary Table 6, Jurgens et al. 2022. PubMed ID: 35177841), but it has also been identified in controls (Online Table IX, Choi. 2020 et al. PubMed ID: 31691645; Supplementary Table 6, Jurgens et al. 2022. PubMed ID: 35177841). This variant is reported in 0.0040% of alleles in individuals of European (Non-Finnish) descent in gnomAD. This variant is located in the I-band region of the TTN protein. RNAseq studies from heart tissue indicate this exon is not commonly included in TTN mRNA transcripts (PSI of 3%-14%, Roberts et al. 2015. PubMed ID: 25589632). TTN loss-of-function variants occurring in non-constitutively expressed exons (PSI <90%) are less likely to be disease causing for TTN cardiac-related disorders (Roberts et al. 2015. PubMed ID: 25589632; Schafer et al. 2017. PubMed ID: 27869827; Akhtar et al. 2020. PubMed ID: 32964742). Many cases of recessive TTN-related myopathies in which the individual is compound heterozygous for two loss-of-function variants in TTN have also been reported (Ge et al. 2019. PubMed ID: 31053406; Oates et al. 2018. PubMed ID: 29691892; Rees et al. 2021. PubMed ID: 33449170). In summary, this variant is likely pathogenic for autosomal recessive TTN-related congenital titinopathies. However, it is uncertain if this variant would be causative for autosomal dominant TTN-related disorders.

Molecular Diagnostic Laboratory for Inherited Cardiovascular Disease, Montreal Heart Institute
Classification: Uncertain significance for Cardiovascular phenotype. Last evaluated: 2025-04-09. Review status: criteria provided, single submitter. Criteria: ACMG Guidelines, 2015. Collection method: clinical testing. Allele origin: germline. Affected: yes.

CeGaT Center for Human Genetics Tuebingen
Classification: Uncertain significance. Last evaluated: 2025-01-01. Review status: criteria provided, single submitter. Criteria: CeGaT Center For Human Genetics Tuebingen Variant Classification Criteria Version 2. Collection method: clinical testing. Allele origin: germline. Affected: yes. Observed: 1 variant allele.

Blueprint Genetics
Classification: Uncertain significance. Last evaluated: 2024-09-19. Review status: criteria provided, single submitter. Criteria: ACMG Guidelines, 2015. Collection method: clinical testing. Allele origin: germline.

GeneDx
Classification: Uncertain significance. Last evaluated: 2023-08-31. Review status: criteria provided, single submitter. Criteria: GeneDx Variant Classification Process June 2021. Collection method: clinical testing. Allele origin: germline. Affected: yes.
Comment: Identified in an individual with early-onset atrial fibrillation as well as in an individual with left ventricular noncompaction who also harbored a truncation variant in RBM20 (Miszalski-Jamka et al., 2017; Choi et al., 2018); Canonical splice site variant in a gene or region of a gene for which loss of function is not a well-established mechanism of disease; Not observed at significant frequency in large population cohorts (gnomAD); Located in a region of TTN within the I-band in which the majority of loss of function variants are significantly associated with autosomal dominant titinopathies (Deo et al., 2016; Schafer et al., 2017); This variant is associated with the following publications: (PMID: 28798025, 35177841, 30535219, 27625338, 27869827)

AiLife Diagnostics
Classification: Uncertain significance. Last evaluated: 2022-01-31. Review status: criteria provided, single submitter. Criteria: ACMG Guidelines, 2015. Collection method: clinical testing. Allele origin: germline. Affected: yes. Observed: 1 variant allele.

Revvity Omics, Revvity
Classification: Uncertain significance. Last evaluated: 2019-11-21. Review status: criteria provided, single submitter. Criteria: ACMG Guidelines, 2015. Collection method: clinical testing. Allele origin: germline.

Eurofins Ntd Llc (ga)
Classification: Uncertain significance. Last evaluated: 2017-06-01. Review status: criteria provided, single submitter. Criteria: EGL Classification Definitions 2015. Collection method: clinical testing. Allele origin: germline. Observed: 1 variant allele, 1 heterozygote.

Literature cited by the submitters: PubMed 30535219 (cited by Labcorp Genetics (formerly Invitae), Labcorp and AiLife Diagnostics); PubMed 35177841 (cited by Labcorp Genetics (formerly Invitae), Labcorp); PubMed 25589632 (cited by Labcorp Genetics (formerly Invitae), Labcorp); PubMed 23975875 (cited by Labcorp Genetics (formerly Invitae), Labcorp); PubMed 27869827 (cited by Labcorp Genetics (formerly Invitae), Labcorp); PubMed 32964742 (cited by Labcorp Genetics (formerly Invitae), Labcorp); PubMed 28798025 (cited by AiLife Diagnostics).

NM_001267550.2(TTN):c.34930+2T>C

Gene: TTN (titin; minus strand). Cytogenetic location: 2q31.2.
Variant type: single nucleotide variant.
Coding change: c.34930+2T>C on transcript NM_001267550.2 (MANE Select); the canonical splice donor site of the intron after coding-DNA position 34930, T replaced by C.
Molecular consequence: splice donor variant. On other transcripts: intron variant (3).
Genome position (GRCh38, 1-based): chr2:178,672,405, A>G on the plus strand (T>C on the coding strand, the complement: TTN is on the minus strand). VCF-style: chr2-178672405-A-G. GRCh37 (hg19) VCF-style: chr2-179537132-A-G.
Other names: c.13283-30088T>C (NM_003319.4); c.13859-30088T>C (NM_133437.4); c.13658-30088T>C (NM_133432.3); c.31027+2T>C (NM_133378.4); c.33808+2T>C (NM_001256850.1).
Identifiers: ClinVar variation 502085 (VCV000502085.41), dbSNP rs749252830, ClinGen allele CA1997937.